The following is an entry in ClinVar:

NC_012920.1(MT-ND1):m.3653T>C

Gene: MT-ND1 (mitochondrially encoded NADH dehydrogenase 1; plus strand).
Variant type: single nucleotide variant.
Genome position: chrM-3653-T-C.
Identifiers: ClinVar variation 692384 (VCV000692384.1), dbSNP rs1603219067, ClinGen allele CA414773226.

ClinVar aggregate classification (germline): Uncertain significance (1 of 4 stars; one submission).

Conditions:
Leigh syndrome (NULS). Also called: Leigh's necrotizing encephalopathy; Leigh's disease; Leigh Syndrome (mtDNA deletion); Leigh Disease; Subacute necrotizing encephalopathy; Necrotizing encephalopathy infantile subacute of Leigh. Identifiers: Orphanet 506, MedGen C2931891, MONDO:0009723, OMIM 256000.

Submission:

Wong Mito Lab, Molecular and Human Genetics, Baylor College of Medicine
Classification: Uncertain significance for Leigh syndrome. Last evaluated: 2019-10-17. Review status: criteria provided, single submitter. Criteria: Modified ACMG Guidelines (Unpublished). Collection method: clinical testing. Allele origin: germline.
Comment: The NC_012920.1:m.3653T>C (YP_003024026.1:p.Ile116Thr) variant in MTND1 gene is interpretated to be a Uncertain Significance variant based on the modified ACMG guidelines (unpublished). This variant meets the following evidence codes: PP7